The following is an entry in ClinVar:

NM_002181.4(IHH):c.315+8C>T

Gene: IHH (Indian hedgehog signaling molecule; minus strand). Cytogenetic location: 2q35.
Variant type: single nucleotide variant.
Coding change: c.315+8C>T on transcript NM_002181.4 (MANE Select); 8 bases into the intron after coding-DNA position 315, C replaced by T.
Molecular consequence: intron variant.
Genome position (GRCh38, 1-based): chr2:219,060,145, G>A on the plus strand (C>T on the coding strand, the complement: IHH is on the minus strand). VCF-style: chr2-219060145-G-A. GRCh37 (hg19) VCF-style: chr2-219924867-G-A.
Identifiers: ClinVar variation 281220 (VCV000281220.48), dbSNP rs186249490, ClinGen allele CA2116734.

ClinVar aggregate classification (germline): Benign/Likely benign. Review status: criteria provided, multiple submitters, no conflicts (2 of 4 stars). 9 submissions from 9 submitters: Benign (5); Likely benign (1). 3 of the submissions do not count toward it. Last evaluated 2026-06-03.

Conditions:
IHH-related disorder. Also called: IHH-related condition.
Brachydactyly type A1. Also called: SHORT STATURE WITH NONSPECIFIC SKELETAL ABNORMALITIES 2; FARABEE-TYPE BRACHYDACTYLY. Identifiers: Orphanet 93388, MedGen C1862151, MONDO:0007215, OMIM 112500, HP:0009371.

Allele frequency attached by ClinVar (database versions not stated): 1000 Genomes Project 30x 0.00250; gnomAD 0.00278 and 0.00286; 1000 Genomes Project 0.00280; ESP Exome Variant Server 0.00315; TOPMed 0.00327; ExAC 0.00411; gnomAD exomes 0.00417.

Submissions (9):

Women's Health and Genetics/Laboratory Corporation of America, LabCorp
Classification: Benign. Last evaluated: 2026-06-03. Review status: criteria provided, single submitter. Criteria: LabCorp Variant Classification Summary - May 2015. Collection method: clinical testing. Allele origin: germline.
Comment: Variant summary: IHH c.315+8C>T alters a conserved nucleotide located at a position not widely known to affect splicing. Consensus agreement among computation tools predict no significant impact on normal splicing. However, these predictions have yet to be confirmed by functional studies. The variant allele was found at a frequency of 0.0042 in 243588 control chromosomes in the gnomAD database, including 5 homozygotes. The observed variant frequency exceeds the estimated maximal expected allele frequency for disease-causing variants in IHH. To our knowledge, no occurrence of c.315+8C>T in individuals affected with IHH-related conditions and no experimental evidence demonstrating its impact on protein function have been reported. ClinVar contains an entry for this variant (Variation ID: 281220). Based on the evidence outlined above, the variant was classified as benign.

Labcorp Genetics (formerly Invitae), Labcorp
Classification: Benign. Last evaluated: 2026-02-01. Review status: criteria provided, single submitter. Criteria: Invitae Variant Classification Sherloc (09022015). Collection method: clinical testing. Allele origin: germline.

CeGaT Center for Human Genetics Tuebingen
Classification: Likely benign. Last evaluated: 2026-01-01. Review status: criteria provided, single submitter. Criteria: CeGaT Center For Human Genetics Tuebingen Variant Classification Criteria Version 2. Collection method: clinical testing. Allele origin: germline. Affected: yes. Observed: 2 variant alleles.
Comment: IHH: BP4, BS2

Illumina Laboratory Services, Illumina
Classification: Benign for Brachydactyly type A1. Last evaluated: 2018-01-12. Review status: criteria provided, single submitter. Criteria: ICSL Variant Classification Criteria 13 December 2019. Collection method: clinical testing. Allele origin: germline.
Comment: This variant was observed in the ICSL laboratory as part of a predisposition screen in an ostensibly healthy population. It had not been previously curated by ICSL or reported in the Human Gene Mutation Database (HGMD: prior to June 1st, 2018), and was therefore a candidate for classification through an automated scoring system. Utilizing variant allele frequency, disease prevalence and penetrance estimates, and inheritance mode, an automated score was calculated to assess if this variant is too frequent to cause the disease. Based on the score and internal cut-off values, a variant classified as benign is not then subjected to further curation. The score for this variant resulted in a classification of benign for this disease.

Eurofins Ntd Llc (ga)
Classification: Benign. Last evaluated: 2015-07-01. Review status: criteria provided, single submitter. Criteria: EGL Classification Definitions 2015. Collection method: clinical testing. Allele origin: germline. Observed: 3 variant alleles, 3 heterozygotes.

Breakthrough Genomics
Classification: Benign. Review status: criteria provided, single submitter. Criteria: ACMG Guidelines, 2015. Collection method: not provided. Allele origin: germline. Inheritance: Autosomal recessive inheritance. Affected: yes.

PreventionGenetics, part of Exact Sciences
Classification: Benign for IHH-related condition. Last evaluated: 2019-05-14. Review status: no assertion criteria provided. Collection method: clinical testing. Allele origin: germline. Not counted in ClinVar's aggregate classification.
Comment: This variant is classified as benign based on ACMG/AMP sequence variant interpretation guidelines (Richards et al. 2015 PMID: 25741868, with internal and published modifications).

Clinical Genetics DNA and cytogenetics Diagnostics Lab, Erasmus MC, Erasmus Medical Center
Classification: Benign. Review status: no assertion criteria provided. Collection method: clinical testing. Allele origin: germline. Affected: yes. Study: VKGL Data-share Consensus. Not counted in ClinVar's aggregate classification.

Laboratory of Diagnostic Genome Analysis, Leiden University Medical Center (LUMC)
Classification: Likely benign. Review status: no assertion criteria provided. Collection method: clinical testing. Allele origin: germline. Affected: yes. Study: VKGL Data-share Consensus. Not counted in ClinVar's aggregate classification.